The following is an entry in ClinVar:

NM_004958.4(MTOR):c.2906C>A (p.Thr969Asn)

Gene: MTOR (mechanistic target of rapamycin kinase; minus strand). Cytogenetic location: 1p36.22.
Variant type: single nucleotide variant.
Coding change: c.2906C>A on transcript NM_004958.4 (MANE Select); coding-DNA position 2906, C replaced by A.
Protein change: p.Thr969Asn; replaces threonine 969 with asparagine.
Molecular consequence: missense variant.
Genome position (GRCh38, 1-based): chr1:11,228,792, G>T on the plus strand (C>A on the coding strand, the complement: MTOR is on the minus strand). VCF-style: chr1-11228792-G-T. GRCh37 (hg19) VCF-style: chr1-11288849-G-T.
Other names: c.2906C>A, p.Thr969Asn (NM_001386500.1); c.1658C>A, p.Thr553Asn (NM_001386501.1); c.2906C>A (NM_004958.3); short protein forms T969N, T553N.
Identifiers: ClinVar variation 1036376 (VCV001036376.9), dbSNP rs777122565, ClinGen allele CA590351.

ClinVar aggregate classification (germline): Uncertain significance. Review status: criteria provided, multiple submitters, no conflicts (2 of 4 stars). 2 submissions from 2 submitters: Uncertain significance (2). Last evaluated 2025-05-19.

Conditions:
Inborn genetic diseases. Identifiers: MedGen C0950123, MeSH D030342.

Allele frequency attached by ClinVar (database versions not stated): ExAC 0.00001; gnomAD exomes 0.00001 and 0.00002; gnomAD 0.00002 and 0.00003; TOPMed 0.00004.
gnomAD v4.1: 10 of 1,614,058 alleles (0.00062%); highest among the groups gnomAD compares: African/African-American, 0.013%; no homozygotes.

Submissions (2):

Ambry Genetics
Classification: Uncertain significance for Inborn genetic diseases. Last evaluated: 2025-05-19. Review status: criteria provided, single submitter. Criteria: Ambry Variant Classification Scheme 2023. Collection method: clinical testing. Allele origin: germline.

Labcorp Genetics (formerly Invitae), Labcorp
Classification: Uncertain significance. Last evaluated: 2025-05-17. Review status: criteria provided, single submitter. Criteria: Invitae Variant Classification Sherloc (09022015). Collection method: clinical testing. Allele origin: germline.
Comment: This sequence change replaces threonine, which is neutral and polar, with asparagine, which is neutral and polar, at codon 969 of the MTOR protein (p.Thr969Asn). This variant is present in population databases (rs777122565, gnomAD 0.03%). This variant has not been reported in the literature in individuals affected with MTOR-related conditions. ClinVar contains an entry for this variant (Variation ID: 1036376). Invitae Evidence Modeling of protein sequence and biophysical properties (such as structural, functional, and spatial information, amino acid conservation, physicochemical variation, residue mobility, and thermodynamic stability) indicates that this missense variant is not expected to disrupt MTOR protein function with a negative predictive value of 95%. In summary, the available evidence is currently insufficient to determine the role of this variant in disease. Therefore, it has been classified as a Variant of Uncertain Significance.